The following is an entry in ClinVar:

ClinVar aggregate classification (germline): Likely benign. Review status: criteria provided, multiple submitters, no conflicts (2 of 4 stars). 2 submissions from 2 submitters: Likely benign (2). Last evaluated 2026-06-16.

Conditions:
BRAT1-related disorder. Also called: BRAT1-related disorders; BRAT1-related condition.
Neonatal-onset encephalopathy with rigidity and seizures. Also called: Lethal neonatal spasticity-epileptic encephalopathy syndrome. Identifiers: Orphanet 435845, MedGen C3281029, MONDO:0013784, OMIM 614498.

Allele frequency attached by ClinVar (database versions not stated): gnomAD 0.00005 and 0.00007; gnomAD exomes 0.00006; ESP Exome Variant Server 0.00008; TOPMed 0.00010; ExAC 0.00011.
gnomAD v4.1: 72 of 1,602,772 alleles (0.0045%); highest among the groups gnomAD compares: Admixed American, 0.015%; no homozygotes.

Submissions (2):

PreventionGenetics, part of Exact Sciences
Classification: Likely benign for BRAT1-related condition. Last evaluated: 2026-06-16. Review status: criteria provided, single submitter. Criteria: ACMG Guidelines, 2015. Collection method: clinical testing. Allele origin: germline.
Comment: This variant is classified as likely benign based on ACMG/AMP sequence variant interpretation guidelines (Richards et al. 2015 PMID: 25741868, with internal and published modifications).

Labcorp Genetics (formerly Invitae), Labcorp
Classification: Likely benign for Neonatal-onset encephalopathy with rigidity and seizures. Last evaluated: 2025-08-11. Review status: criteria provided, single submitter. Criteria: Invitae Variant Classification Sherloc (09022015). Collection method: clinical testing. Allele origin: germline.

NM_152743.4(BRAT1):c.1134+8C>T

Gene: BRAT1 (BRCA1 associated ATM activator 1; minus strand). Cytogenetic location: 7p22.3.
Variant type: single nucleotide variant.
Coding change: c.1134+8C>T on transcript NM_152743.4 (MANE Select); 8 bases into the intron after coding-DNA position 1134, C replaced by T.
Molecular consequence: intron variant.
Genome position (GRCh38, 1-based): chr7:2,541,710, G>A on the plus strand (C>T on the coding strand, the complement: BRAT1 is on the minus strand). VCF-style: chr7-2541710-G-A. GRCh37 (hg19) VCF-style: chr7-2581344-G-A.
Other names: c.609+8C>T (NM_001350627.2); c.1134+8C>T (NM_001350626.2).
Identifiers: ClinVar variation 472928 (VCV000472928.9), dbSNP rs369079026, ClinGen allele CA4127923.